The following is an entry in ClinVar:

ClinVar aggregate classification (germline): Uncertain significance (1 of 4 stars; one submission).

Conditions:
Glutamate formiminotransferase deficiency. Also called: Arakawa syndrome 1; Formiminoglutamic aciduria. Identifiers: Orphanet 51208, MedGen C0268609, MONDO:0009240, OMIM 229100.

Allele frequency attached by ClinVar (database versions not stated): gnomAD 0.00001; gnomAD exomes 0.00001; ExAC 0.00002; TOPMed 0.00002.
gnomAD v4.1: 8 of 1,612,740 alleles (0.0005%); highest among the groups gnomAD compares: East Asian, 0.0022%; no homozygotes.

Submission:

Labcorp Genetics (formerly Invitae), Labcorp
Classification: Uncertain significance for Glutamate formiminotransferase deficiency. Last evaluated: 2022-06-13. Review status: criteria provided, single submitter. Criteria: Invitae Variant Classification Sherloc (09022015). Collection method: clinical testing. Allele origin: germline.
Comment: In summary, the available evidence is currently insufficient to determine the role of this variant in disease. Therefore, it has been classified as a Variant of Uncertain Significance. Algorithms developed to predict the effect of sequence changes on RNA splicing suggest that this variant may create or strengthen a splice site. Algorithms developed to predict the effect of missense changes on protein structure and function are either unavailable or do not agree on the potential impact of this missense change (SIFT: "Deleterious"; PolyPhen-2: "Possibly Damaging"; Align-GVGD: "Class C0"). This variant has not been reported in the literature in individuals affected with FTCD-related conditions. This variant is present in population databases (rs765154985, gnomAD 0.005%). This sequence change replaces arginine, which is basic and polar, with glutamine, which is neutral and polar, at codon 67 of the FTCD protein (p.Arg67Gln).

NM_206965.2(FTCD):c.200G>A (p.Arg67Gln)

Gene: FTCD (formimidoyltransferase cyclodeaminase; minus strand). Cytogenetic location: 21q22.3.
Variant type: single nucleotide variant.
Coding change: c.200G>A on transcript NM_206965.2 (MANE Select); coding-DNA position 200, G replaced by A.
Protein change: p.Arg67Gln; replaces arginine 67 with glutamine.
Molecular consequence: missense variant.
Genome position (GRCh38, 1-based): chr21:46,154,187, C>T on the plus strand (G>A on the coding strand, the complement: FTCD is on the minus strand). VCF-style: chr21-46154187-C-T. GRCh37 (hg19) VCF-style: chr21-47574101-C-T.
Other names: c.200G>A, p.Arg67Gln (NM_001320412.2, NM_006657.3); short protein forms R67Q.
Identifiers: ClinVar variation 1361219 (VCV001361219.6), dbSNP rs765154985, ClinGen allele CA10074020.